The following is an entry in ClinVar:

ClinVar aggregate classification (germline): Uncertain significance (1 of 4 stars; one submission).

Conditions:
Neurodevelopmental disorder with or without hyperkinetic movements and seizures, autosomal dominant. Also called: Intellectual disability, autosomal dominant 8. Identifiers: MedGen C3280282, MONDO:0013655, OMIM 614254.

gnomAD v4.1: 2 of 1,614,004 alleles (0.00012%); highest among the groups gnomAD compares: Non-Finnish European, 0.00017%; no homozygotes.

Submission:

Labcorp Genetics (formerly Invitae), Labcorp
Classification: Uncertain significance for Neurodevelopmental disorder with or without hyperkinetic movements and seizures, autosomal dominant. Last evaluated: 2025-05-22. Review status: criteria provided, single submitter. Criteria: Invitae Variant Classification Sherloc (09022015). Collection method: clinical testing. Allele origin: germline.
Comment: This sequence change replaces alanine, which is neutral and non-polar, with threonine, which is neutral and polar, at codon 89 of the GRIN1 protein (p.Ala89Thr). This variant is not present in population databases (gnomAD no frequency). This variant has not been reported in the literature in individuals affected with GRIN1-related conditions. Invitae Evidence Modeling of protein sequence and biophysical properties (such as structural, functional, and spatial information, amino acid conservation, physicochemical variation, residue mobility, and thermodynamic stability) indicates that this missense variant is not expected to disrupt GRIN1 protein function with a negative predictive value of 95%. In summary, the available evidence is currently insufficient to determine the role of this variant in disease. Therefore, it has been classified as a Variant of Uncertain Significance.

NM_007327.4(GRIN1):c.265G>A (p.Ala89Thr)

Gene: GRIN1 (glutamate ionotropic receptor NMDA type subunit 1; plus strand). Cytogenetic location: 9q34.3.
Variant type: single nucleotide variant.
Coding change: c.265G>A on transcript NM_007327.4 (MANE Select); coding-DNA position 265, G replaced by A.
Protein change: p.Ala89Thr; replaces alanine 89 with threonine.
Molecular consequence: missense variant.
Genome position (GRCh38, 1-based): chr9:137,142,019, G>A. VCF-style: chr9-137142019-G-A. GRCh37 (hg19) VCF-style: chr9-140036471-G-A.
Other names: c.265G>A, p.Ala89Thr (NM_000832.7, NM_001185090.2, NM_001185091.2 and 3 more transcripts); short protein forms A89T.
Identifiers: ClinVar variation 4808874 (VCV004808874.1).
Genomic context (GRCh38, chr9:137,142,019, plus strand): 5'-CCCAGTGCCTGGCTCACCCCTGACTCAAGCTGATCATGTCTCCTGTGTCCACAGGTCTAC[G>A]CCATCCTAGTTAGCCATCCACCTACCCCCAACGACCACTTCACTCCCACCCCTGTCTCCT-3'
Protein context (NP_015566.1, residues 79-99): CEDLISSQVY[Ala89Thr]ILVSHPPTPN